The following is an entry in ClinVar:

NM_001010892.3(RSPH4A):c.1798+11G>A

Gene: RSPH4A (radial spoke head component 4A; plus strand). Cytogenetic location: 6q22.1.
Variant type: single nucleotide variant.
Coding change: c.1798+11G>A on transcript NM_001010892.3 (MANE Select); 11 bases into the intron after coding-DNA position 1798, G replaced by A.
Molecular consequence: intron variant.
Genome position (GRCh38, 1-based): chr6:116,629,713, G>A. VCF-style: chr6-116629713-G-A. GRCh37 (hg19) VCF-style: chr6-116950876-G-A.
Other names: c.1663-722G>A (NM_001161664.2).
Identifiers: ClinVar variation 227054 (VCV000227054.23), dbSNP rs41290844, ClinGen allele CA3971033.

ClinVar aggregate classification (germline): Benign/Likely benign. Review status: criteria provided, multiple submitters, no conflicts (2 of 4 stars). 7 submissions from 7 submitters: Benign (3); Likely benign (4). Last evaluated 2026-02-01.

Conditions:
Primary ciliary dyskinesia 11. Also called: CILIARY DYSKINESIA, PRIMARY, 11, WITHOUT SITUS INVERSUS. Identifiers: Orphanet 244, MedGen C2675229, MONDO:0012978, OMIM 612649.
Primary ciliary dyskinesia. Also called: Ciliary dyskinesia. Identifiers: Orphanet 244, MedGen C0008780, MONDO:0016575, HP:0012265.

Allele frequency attached by ClinVar (database versions not stated): 1000 Genomes Project 0.00220; 1000 Genomes Project 30x 0.00265; ExAC 0.00751; gnomAD 0.00873; TOPMed 0.00917; ESP Exome Variant Server 0.01053.
gnomAD v4.1: 18,766 of 1,601,184 alleles (1.2%); highest among the groups gnomAD compares: Non-Finnish European, 1.5%; 155 homozygotes.

Submissions (7):

Labcorp Genetics (formerly Invitae), Labcorp
Classification: Benign for Primary ciliary dyskinesia. Last evaluated: 2026-02-01. Review status: criteria provided, single submitter. Criteria: Invitae Variant Classification Sherloc (09022015). Collection method: clinical testing. Allele origin: germline.

Blueprint Genetics
Classification: Likely benign. Last evaluated: 2024-11-26. Review status: criteria provided, single submitter. Criteria: ACMG Guidelines, 2015. Collection method: clinical testing. Allele origin: germline.

GeneDx
Classification: Likely benign. Last evaluated: 2020-04-20. Review status: criteria provided, single submitter. Criteria: GeneDx Variant Classification Process June 2021. Collection method: clinical testing. Allele origin: germline. Affected: yes.

Illumina Laboratory Services, Illumina
Classification: Likely benign for Primary ciliary dyskinesia 11. Last evaluated: 2018-01-13. Review status: criteria provided, single submitter. Criteria: ICSL Variant Classification Criteria 13 December 2019. Collection method: clinical testing. Allele origin: germline.
Comment: This variant was observed in the ICSL laboratory as part of a predisposition screen in an ostensibly healthy population. It had not been previously curated by ICSL or reported in the Human Gene Mutation Database (HGMD: prior to June 1st, 2018), and was therefore a candidate for classification through an automated scoring system. Utilizing variant allele frequency, disease prevalence and penetrance estimates, and inheritance mode, an automated score was calculated to assess if this variant is too frequent to cause the disease. Based on the score and internal cut-off values, a variant classified as likely benign is not then subjected to further curation. The score for this variant resulted in a classification of likely benign for this disease.

Laboratory for Molecular Medicine, Mass General Brigham Personalized Medicine
Classification: Benign. Last evaluated: 2013-02-21. Review status: criteria provided, single submitter. Criteria: LMM Criteria. Collection method: clinical testing. Allele origin: germline. Observed: 2 variant alleles.
Comment: 1798+11G>A in intron 4 of RSPH4A: This variant is not expected to have clinical significance because it is not located within the conserved splice consensus seq uence. It has been identified in 1.5% (127/8600) of European American chromosome s from a broad population by the NHLBI Exome Sequencing Project (dbSNP rs41290844).

Breakthrough Genomics
Classification: Likely benign. Review status: criteria provided, single submitter. Criteria: ACMG Guidelines, 2015. Collection method: not provided. Allele origin: germline. Inheritance: Autosomal recessive inheritance. Affected: yes.

PreventionGenetics, part of Exact Sciences
Classification: Benign. Review status: criteria provided, single submitter. Criteria: ACMG Guidelines, 2015. Collection method: clinical testing. Allele origin: germline.